The following is an entry in ClinVar:

ClinVar aggregate classification (germline): Uncertain significance (1 of 4 stars; one submission).

Conditions:
Immunodeficiency 39 (IMD39). Identifiers: Orphanet 574918, MedGen C4225358, MONDO:0014597, OMIM 616345.

Allele frequency attached by ClinVar (database versions not stated): gnomAD exomes below 0.00001; ExAC 0.00001.
gnomAD v4.1: 1 of 1,612,388 alleles (0.000062%); highest among the groups gnomAD compares: Non-Finnish European, 0.000085%; no homozygotes.

Submission:

Labcorp Genetics (formerly Invitae), Labcorp
Classification: Uncertain significance for Immunodeficiency 39. Last evaluated: 2023-01-20. Review status: criteria provided, single submitter. Criteria: Invitae Variant Classification Sherloc (09022015). Collection method: clinical testing. Allele origin: germline.
Comment: ClinVar contains an entry for this variant (Variation ID: 845331). This variant has not been reported in the literature in individuals affected with IRF7-related conditions. This variant is not present in population databases (gnomAD no frequency). This sequence change replaces alanine, which is neutral and non-polar, with valine, which is neutral and non-polar, at codon 206 of the IRF7 protein (p.Ala206Val). Advanced modeling of protein sequence and biophysical properties (such as structural, functional, and spatial information, amino acid conservation, physicochemical variation, residue mobility, and thermodynamic stability) performed at Invitae indicates that this missense variant is not expected to disrupt IRF7 protein function. In summary, the available evidence is currently insufficient to determine the role of this variant in disease. Therefore, it has been classified as a Variant of Uncertain Significance.

NM_001572.5(IRF7):c.578C>T (p.Ala193Val)

Gene: IRF7 (interferon regulatory factor 7; minus strand). Cytogenetic location: 11p15.5.
Variant type: single nucleotide variant.
Coding change: c.578C>T on transcript NM_001572.5 (MANE Select); coding-DNA position 578, C replaced by T.
Protein change: p.Ala193Val; replaces alanine 193 with valine.
Molecular consequence: missense variant.
Genome position (GRCh38, 1-based): chr11:614,275, G>A on the plus strand (C>T on the coding strand, the complement: IRF7 is on the minus strand). VCF-style: chr11-614275-G-A. GRCh37 (hg19) VCF-style: chr11-614275-G-A.
Other names: c.578C>T, p.Ala193Val (NM_004029.4); c.617C>T, p.Ala206Val (NM_004031.4); short protein forms A193V, A206V.
Identifiers: ClinVar variation 845331 (VCV000845331.4), dbSNP rs759055899, ClinGen allele CA5783906.